The following is an entry in ClinVar:

ClinVar aggregate classification (germline): Uncertain significance (1 of 4 stars; one submission).

Conditions:
Severe combined immunodeficiency due to CORO1A deficiency. Also called: IMMUNODEFICIENCY 8 WITH LYMPHOPROLIFERATION; Immunodeficiency 8. Identifiers: Orphanet 228003, MedGen C3809383, MONDO:0014168, OMIM 615401.

Submission:

Labcorp Genetics (formerly Invitae), Labcorp
Classification: Uncertain significance for Severe combined immunodeficiency due to CORO1A deficiency. Last evaluated: 2022-08-16. Review status: criteria provided, single submitter. Criteria: Invitae Variant Classification Sherloc (09022015). Collection method: clinical testing. Allele origin: germline.
Comment: In summary, the available evidence is currently insufficient to determine the role of this variant in disease. Therefore, it has been classified as a Variant of Uncertain Significance. Algorithms developed to predict the effect of missense changes on protein structure and function are either unavailable or do not agree on the potential impact of this missense change (SIFT: "Deleterious"; PolyPhen-2: "Probably Damaging"; Align-GVGD: "Class C0"). This variant has not been reported in the literature in individuals affected with CORO1A-related conditions. This variant is not present in population databases (gnomAD no frequency). This sequence change replaces proline, which is neutral and non-polar, with arginine, which is basic and polar, at codon 372 of the CORO1A protein (p.Pro372Arg).

NM_007074.4(CORO1A):c.1115C>G (p.Pro372Arg)

Gene: CORO1A (coronin 1A; plus strand). Cytogenetic location: 16p11.2.
Variant type: single nucleotide variant.
Coding change: c.1115C>G on transcript NM_007074.4 (MANE Select); coding-DNA position 1115, C replaced by G.
Protein change: p.Pro372Arg; replaces proline 372 with arginine.
Molecular consequence: missense variant.
Genome position (GRCh38, 1-based): chr16:30,188,410, C>G. VCF-style: chr16-30188410-C-G. GRCh37 (hg19) VCF-style: chr16-30199731-C-G.
Other names: c.1115C>G, p.Pro372Arg (NM_001193333.3); short protein forms P372R.
Identifiers: ClinVar variation 2202136 (VCV002202136.4), dbSNP rs2073371736, ClinGen allele CA395498763.
Genomic context (GRCh38, chr16:30,188,410, plus strand): 5'-CTTGCCCACAGTCGGACCTGTTCCAGGAGGACCTGTACCCACCCACCGCAGGGCCCGACC[C>G]TGCCCTCACGGCTGAGGAGTGGCTGGGGGGTCGGGATGCTGGGCCCCTCCTCATCTCCCT-3'
Protein context (NP_009005.1, residues 362-382): DLYPPTAGPD[Pro372Arg]ALTAEEWLGG